The following is an entry in ClinVar:

NM_006059.4(LAMC3):c.2407C>T (p.His803Tyr)

Gene: LAMC3 (laminin subunit gamma 3; plus strand). Cytogenetic location: 9q34.12.
Variant type: single nucleotide variant.
Coding change: c.2407C>T on transcript NM_006059.4 (MANE Select); coding-DNA position 2407, C replaced by T.
Protein change: p.His803Tyr; replaces histidine 803 with tyrosine.
Molecular consequence: missense variant.
Genome position (GRCh38, 1-based): chr9:131,067,019, C>T. VCF-style: chr9-131067019-C-T. GRCh37 (hg19) VCF-style: chr9-133942406-C-T.
Other names: short protein forms H803Y.
Identifiers: ClinVar variation 1303781 (VCV001303781.2), dbSNP rs2133312243, ClinGen allele CA375253128.

ClinVar aggregate classification (germline): Uncertain significance (1 of 4 stars; one submission).

Submission:

GeneDx
Classification: Uncertain significance. Last evaluated: 2020-11-03. Review status: criteria provided, single submitter. Criteria: GeneDx Variant Classification Process June 2021. Collection method: clinical testing. Allele origin: germline. Affected: yes.
Comment: Not observed in large population cohorts (Lek et al., 2016); In silico analysis, which includes protein predictors and evolutionary conservation, supports that this variant does not alter protein structure/function; Has not been previously published as pathogenic or benign to our knowledge